The following is an entry in ClinVar:

NM_001159699.2(FHL1):c.74A>C (p.Tyr25Ser)

Gene: FHL1 (four and a half LIM domains 1; plus strand). Cytogenetic location: Xq26.3.
Variant type: single nucleotide variant.
Coding change: c.74A>C on transcript NM_001159699.2 (MANE Select); coding-DNA position 74, A replaced by C.
Protein change: p.Tyr25Ser; replaces tyrosine 25 with serine.
Molecular consequence: missense variant. On other transcripts: non-coding transcript variant (1).
Genome position (GRCh38, 1-based): chrX:136,206,458, A>C. VCF-style: chrX-136206458-A-C. GRCh37 (hg19) VCF-style: chrX-135288617-A-C.
Other names: c.26A>C, p.Tyr9Ser (NM_001159700.2, NM_001159702.3, NM_001159703.2 and 9 more transcripts); c.113A>C, p.Tyr38Ser (NM_001159701.2); c.74A>C, p.Tyr25Ser (NM_001330659.2); short protein forms Y25S, Y38S, Y9S.
Identifiers: ClinVar variation 3221689 (VCV003221689.1), dbSNP rs2521247083, ClinGen allele CA414607408.

ClinVar aggregate classification (germline): Uncertain significance (1 of 4 stars; one submission).

Conditions:
Cardiovascular phenotype. Identifiers: MedGen CN230736.

Submission:

Ambry Genetics
Classification: Uncertain significance for Cardiovascular phenotype. Last evaluated: 2023-12-21. Review status: criteria provided, single submitter. Criteria: Ambry Variant Classification Scheme 2023. Collection method: clinical testing. Allele origin: germline.
Comment: The p.Y9S variant (also known as c.26A>C), located in coding exon 1 of the FHL1 gene, results from an A to C substitution at nucleotide position 26. The tyrosine at codon 9 is replaced by serine, an amino acid with dissimilar properties. This amino acid position is conserved. In addition, this alteration is predicted to be deleterious by in silico analysis. Since supporting evidence is limited at this time, the clinical significance of this alteration remains unclear.